The following is an entry in ClinVar:

ClinVar aggregate classification (germline): Likely benign (1 of 4 stars; one submission).

Allele frequency attached by ClinVar (database versions not stated): gnomAD 0.00011; ESP Exome Variant Server 0.00015; 1000 Genomes Project 30x 0.00016; 1000 Genomes Project 0.00020.
gnomAD v4.1: 340 of 1,614,258 alleles (0.021%); highest among the groups gnomAD compares: Non-Finnish European, 0.027%; 1 homozygote.

Submission:

CeGaT Center for Human Genetics Tuebingen
Classification: Likely benign. Last evaluated: 2026-09-01. Review status: criteria provided, single submitter. Criteria: CeGaT Center For Human Genetics Tuebingen Variant Classification Criteria Version 2. Collection method: clinical testing. Allele origin: germline. Affected: yes. Observed: 2 variant alleles.
Comment: THSD1: BP4

NM_018676.4(THSD1):c.464T>C (p.Leu155Pro)

Gene: THSD1 (thrombospondin type 1 domain containing 1; minus strand). Cytogenetic location: 13q14.3.
Variant type: single nucleotide variant.
Coding change: c.464T>C on transcript NM_018676.4 (MANE Select); coding-DNA position 464, T replaced by C.
Protein change: p.Leu155Pro; replaces leucine 155 with proline.
Molecular consequence: missense variant.
Genome position (GRCh38, 1-based): chr13:52,397,789, A>G on the plus strand (T>C on the coding strand, the complement: THSD1 is on the minus strand). VCF-style: chr13-52397789-A-G. GRCh37 (hg19) VCF-style: chr13-52971924-A-G.
Other names: c.464T>C, p.Leu155Pro (NM_199263.3); short protein forms L155P.
Identifiers: ClinVar variation 2643829 (VCV002643829.24), dbSNP rs200340193, ClinGen allele CA6992194.